The following is an entry in ClinVar:

ClinVar aggregate classification (germline): Pathogenic (1 of 4 stars; one submission).

Submission:

GeneDx
Classification: Pathogenic. Last evaluated: 2025-04-18. Review status: criteria provided, single submitter. Criteria: GeneDx Variant Classification Process June 2021. Collection method: clinical testing. Allele origin: germline. Affected: yes.
Comment: Nonsense variant predicted to result in protein truncation or nonsense mediated decay in a gene for which loss of function is a known mechanism of disease; Not observed at significant frequency in large population cohorts (gnomAD); This variant is associated with the following publications: (PMID: 37904618)

NM_001356.5(DDX3X):c.489C>G (p.Tyr163Ter)

Gene: DDX3X (DEAD-box helicase 3 X-linked; plus strand). Cytogenetic location: Xp11.4.
Variant type: single nucleotide variant.
Coding change: c.489C>G on transcript NM_001356.5 (MANE Select); coding-DNA position 489, C replaced by G.
Protein change: p.Tyr163Ter; replaces tyrosine 163 with a stop codon.
Molecular consequence: nonsense. On other transcripts: 5 prime UTR variant (1), non-coding transcript variant (1).
Genome position (GRCh38, 1-based): chrX:41,342,782, C>G. VCF-style: chrX-41342782-C-G. GRCh37 (hg19) VCF-style: chrX-41202035-C-G.
Other names: c.489C>G, p.Tyr163Ter (NM_001193416.3); c.441C>G, p.Tyr147Ter (NM_001193417.3); c.-70C>G (NM_001363819.1); short protein forms Y163*, Y147*.
Identifiers: ClinVar variation 523850 (VCV000523850.3), dbSNP rs769546741, ClinGen allele CA412767141.